The following is an entry in ClinVar:

NM_002693.3(POLG):c.2782G>A (p.Gly928Ser)

Gene: POLG (DNA polymerase gamma, catalytic subunit; minus strand). Cytogenetic location: 15q26.1.
Variant type: single nucleotide variant.
Coding change: c.2782G>A on transcript NM_002693.3 (MANE Select); coding-DNA position 2782, G replaced by A.
Protein change: p.Gly928Ser; replaces glycine 928 with serine.
Molecular consequence: missense variant.
Genome position (GRCh38, 1-based): chr15:89,320,965, C>T on the plus strand (G>A on the coding strand, the complement: POLG is on the minus strand). VCF-style: chr15-89320965-C-T. GRCh37 (hg19) VCF-style: chr15-89864196-C-T.
Other names: c.2782G>A, p.Gly928Ser (NM_001126131.2); short protein forms G928S.
Identifiers: ClinVar variation 1062862 (VCV001062862.28), dbSNP rs759944038, ClinGen allele CA7724348.

ClinVar aggregate classification (germline): Uncertain significance. Review status: criteria provided, multiple submitters, no conflicts (2 of 4 stars). 2 submissions from 2 submitters: Uncertain significance (2). Last evaluated 2023-10-01.

Conditions:
Progressive sclerosing poliodystrophy (MTDPS4A). Also called: Alpers-Huttenlocher Syndrome; Mitochondrial DNA Depletion Syndrome 4A; Alpers-Huttenlocher Syndrome (AHS); ALPERS PROGRESSIVE INFANTILE POLIODYSTROPHY; Alpers Syndrome; ALPERS DIFFUSE DEGENERATION OF CEREBRAL GRAY MATTER WITH HEPATIC CIRRHOSIS. Identifiers: Orphanet 726, MedGen C0205710, MONDO:0008758, OMIM 203700.

Allele frequency attached by ClinVar (database versions not stated): gnomAD exomes below 0.00001 and 0.00001; ExAC 0.00002.
gnomAD v4.1: 5 of 1,577,684 alleles (0.00032%); highest among the groups gnomAD compares: Non-Finnish European, 0.00043%; no homozygotes.

Submissions (2):

CeGaT Center for Human Genetics Tuebingen
Classification: Uncertain significance. Last evaluated: 2023-10-01. Review status: criteria provided, single submitter. Criteria: CeGaT Center For Human Genetics Tuebingen Variant Classification Criteria Version 2. Collection method: clinical testing. Allele origin: germline. Affected: yes. Observed: 1 variant allele.
Comment: POLG: PM1, PM2:Supporting

Labcorp Genetics (formerly Invitae), Labcorp
Classification: Uncertain significance for Progressive sclerosing poliodystrophy. Last evaluated: 2021-08-28. Review status: criteria provided, single submitter. Criteria: Invitae Variant Classification Sherloc (09022015). Collection method: clinical testing. Allele origin: germline.